The following is an entry in ClinVar:

ClinVar aggregate classification (germline): Uncertain significance (1 of 4 stars; one submission).

Submission:

Labcorp Genetics (formerly Invitae), Labcorp
Classification: Uncertain significance. Last evaluated: 2023-10-20. Review status: criteria provided, single submitter. Criteria: Invitae Variant Classification Sherloc (09022015). Collection method: clinical testing. Allele origin: germline.
Comment: This sequence change replaces leucine, which is neutral and non-polar, with phenylalanine, which is neutral and non-polar, at codon 892 of the BNC2 protein (p.Leu892Phe). This variant is not present in population databases (gnomAD no frequency). This variant has not been reported in the literature in individuals affected with BNC2-related conditions. An algorithm developed to predict the effect of missense changes on protein structure and function (PolyPhen-2) suggests that this variant is likely to be disruptive. In summary, the available evidence is currently insufficient to determine the role of this variant in disease. Therefore, it has been classified as a Variant of Uncertain Significance.

NM_017637.6(BNC2):c.2676G>T (p.Leu892Phe)

Gene: BNC2 (basonuclin zinc finger protein 2; minus strand). Cytogenetic location: 9p22.3.
Variant type: single nucleotide variant.
Coding change: c.2676G>T on transcript NM_017637.6 (MANE Select); coding-DNA position 2676, G replaced by T.
Protein change: p.Leu892Phe; replaces leucine 892 with phenylalanine.
Molecular consequence: missense variant. On other transcripts: 3 prime UTR variant (1).
Genome position (GRCh38, 1-based): chr9:16,419,613, C>A on the plus strand (G>T on the coding strand, the complement: BNC2 is on the minus strand). VCF-style: chr9-16419613-C-A. GRCh37 (hg19) VCF-style: chr9-16419611-C-A.
Other names: c.*20G>T (NM_001317939.2); c.2391G>T, p.Leu797Phe (NM_001317940.2); short protein forms L797F, L892F.
Identifiers: ClinVar variation 2797994 (VCV002797994.3), dbSNP rs2547639312, ClinGen allele CA372987852.